The following is an entry in ClinVar:

NM_000264.5(PTCH1):c.2347C>G (p.Arg783Gly)

Genes: PTCH1 (patched 1; minus strand), LOC100507346 (uncharacterized LOC100507346; plus strand). Cytogenetic location: 9q22.32.
Variant type: single nucleotide variant.
Coding change: c.2347C>G on transcript NM_000264.5 (MANE Select); coding-DNA position 2347, C replaced by G.
Protein change: p.Arg783Gly; replaces arginine 783 with glycine.
Molecular consequence: missense variant.
Genome position (GRCh38, 1-based): chr9:95,467,329, G>C on the plus strand (C>G on the coding strand, the complement: PTCH1 is on the minus strand). VCF-style: chr9-95467329-G-C. GRCh37 (hg19) VCF-style: chr9-98229611-G-C.
Other names: c.2347C>G (NM_000264.3); c.2149C>G, p.Arg717Gly (NM_001083602.3); c.2344C>G, p.Arg782Gly (NM_001083603.3); c.1894C>G, p.Arg632Gly (NM_001083604.3, NM_001083605.3, NM_001083606.3 and 1 more transcripts); c.2191C>G, p.Arg731Gly (NM_001354918.2); short protein forms R632G, R717G, R731G, R782G, R783G.
Identifiers: ClinVar variation 1396801 (VCV001396801.9), dbSNP rs1060502293, ClinGen allele CA374114532.

ClinVar aggregate classification (germline): Uncertain significance. Review status: criteria provided, multiple submitters, no conflicts (2 of 4 stars). 2 submissions from 2 submitters: Uncertain significance (2). Last evaluated 2026-09-11.

Conditions:
Hereditary cancer-predisposing syndrome. Also called: Hereditary Cancer Syndrome; Neoplastic Syndromes, Hereditary; Hereditary neoplastic syndrome; Tumor predisposition. Identifiers: Orphanet 140162, MedGen C0027672, MeSH D009386, MONDO:0015356.
Gorlin syndrome. Also called: Nevoid Basal Cell Carcinoma Syndrome; Basal cell nevus syndrome. Identifiers: Orphanet 377, MedGen C0004779, MONDO:0007187.

Submissions (2):

Ambry Genetics
Classification: Uncertain significance for Hereditary cancer-predisposing syndrome. Last evaluated: 2026-09-11. Review status: criteria provided, single submitter. Criteria: Ambry Variant Classification Scheme 2023. Collection method: clinical testing. Allele origin: germline.
Comment: The p.R783G variant (also known as c.2347C>G), located in coding exon 15 of the PTCH1 gene, results from a C to G substitution at nucleotide position 2347. The arginine at codon 783 is replaced by glycine, an amino acid with dissimilar properties. This amino acid position is highly conserved in available vertebrate species. In addition, this alteration is predicted to be deleterious by in silico analysis. Based on the available evidence, the clinical significance of this variant remains unclear.

Labcorp Genetics (formerly Invitae), Labcorp
Classification: Uncertain significance for Gorlin syndrome. Last evaluated: 2022-12-02. Review status: criteria provided, single submitter. Criteria: Invitae Variant Classification Sherloc (09022015). Collection method: clinical testing. Allele origin: germline.
Comment: In summary, the available evidence is currently insufficient to determine the role of this variant in disease. Therefore, it has been classified as a Variant of Uncertain Significance. Advanced modeling of protein sequence and biophysical properties (such as structural, functional, and spatial information, amino acid conservation, physicochemical variation, residue mobility, and thermodynamic stability) performed at Invitae indicates that this missense variant is not expected to disrupt PTCH1 protein function. ClinVar contains an entry for this variant (Variation ID: 1396801). This variant has not been reported in the literature in individuals affected with PTCH1-related conditions. This variant is not present in population databases (gnomAD no frequency). This sequence change replaces arginine, which is basic and polar, with glycine, which is neutral and non-polar, at codon 783 of the PTCH1 protein (p.Arg783Gly).